The following is an entry in ClinVar:

NM_000195.5(HPS1):c.1807_1808inv (p.Gln603Trp)

Gene: HPS1 (HPS1 biogenesis of lysosomal organelles complex 3 subunit 1; minus strand). Cytogenetic location: 10q24.2.
Variant type: Inversion.
Coding change: c.1807_1808inv on transcript NM_000195.5 (MANE Select).
Protein change: p.Gln603Trp; replaces glutamine 603 with tryptophan.
Molecular consequence: missense variant.
Genome position: GRCh38 VCF-style: chr10-98420094-TG-CA. GRCh37 (hg19) VCF-style: chr10-100179851-TG-CA.
Other names: c.1807_1808inv, p.Gln603Trp (NM_001322476.2, NM_001322477.2); c.1708_1709inv, p.Gln570Trp (NM_001322478.2, NM_001322479.2); c.1546_1547inv, p.Gln516Trp (NM_001322481.2, NM_001322480.2); c.1447_1448inv, p.Gln483Trp (NM_001322482.2); c.1438_1439inv, p.Gln480Trp (NM_001322483.2, NM_001322484.2); c.1339_1340inv, p.Gln447Trp (NM_001322485.2); c.835_836inv, p.Gln279Trp (NM_001322487.2, NM_001322489.2, NM_001311345.2); c.1807_1808delinsTG (NM_000195.5); short protein forms Q480W, Q603W, Q279W, Q447W, Q570W, Q483W, Q516W.
Identifiers: ClinVar variation 2140682 (VCV002140682.4), ClinGen allele CA2580082541.
Genomic context (GRCh38, chr10:98,420,094, plus strand): 5'-GCCTCACCTACCATGTCATTCTCGAACCACAGGAAGTAGGAGCAGTAGAAATCCCCCTCC[TG>CA]GAACAGCAGCGTGGTGTAGCCCTTCTGCAGGTATCTGCGCGCCAGCTGGATCAGAGACCA-3'
Protein context (NP_000186.2, residues 593-613): LQKGYTTLLF[Gln603Trp]EGDFYCSYFL

ClinVar aggregate classification (germline): Uncertain significance. Review status: criteria provided, multiple submitters, no conflicts (2 of 4 stars). 2 submissions from 2 submitters: Uncertain significance (2). Last evaluated 2026-02-02.

Conditions:
Hermansky-Pudlak syndrome 1 (HPS1). Also called: DELTA STORAGE POOL DISEASE. Identifiers: Orphanet 231500, Orphanet 79430, MedGen C2931875, MONDO:0008748, OMIM 203300.

Submissions (2):

Labcorp Genetics (formerly Invitae), Labcorp
Classification: Uncertain significance. Last evaluated: 2026-02-02. Review status: criteria provided, single submitter. Criteria: Invitae Variant Classification Sherloc (09022015). Collection method: clinical testing. Allele origin: germline.
Comment: This sequence change replaces glutamine, which is neutral and polar, with tryptophan, which is neutral and slightly polar, at codon 603 of the HPS1 protein (p.Gln603Trp). The frequency data for this variant in the population databases is considered unreliable, as metrics indicate poor data quality at this position in the gnomAD database. This variant has not been reported in the literature in individuals affected with HPS1-related conditions. ClinVar contains an entry for this variant (Variation ID: 2140682). An algorithm developed to predict the effect of missense changes on protein structure and function (PolyPhen-2) suggests that this variant is likely to be disruptive. In summary, the available evidence is currently insufficient to determine the role of this variant in disease. Therefore, it has been classified as a Variant of Uncertain Significance.

Fulgent Genetics
Classification: Uncertain significance for Hermansky-Pudlak syndrome 1. Last evaluated: 2024-01-05. Review status: criteria provided, single submitter. Criteria: ACMG Guidelines, 2015. Collection method: clinical testing. Allele origin: germline.